The following is an entry in ClinVar:

NM_213599.3(ANO5):c.2185G>A (p.Val729Ile)

Gene: ANO5 (anoctamin 5; plus strand). Cytogenetic location: 11p14.3.
Variant type: single nucleotide variant.
Coding change: c.2185G>A on transcript NM_213599.3 (MANE Select); coding-DNA position 2185, G replaced by A.
Protein change: p.Val729Ile; replaces valine 729 with isoleucine.
Molecular consequence: missense variant.
Genome position (GRCh38, 1-based): chr11:22,272,939, G>A. VCF-style: chr11-22272939-G-A. GRCh37 (hg19) VCF-style: chr11-22294485-G-A.
Other names: c.2182G>A, p.Val728Ile (NM_001142649.2); short protein forms V729I, V728I.
Identifiers: ClinVar variation 289227 (VCV000289227.19), dbSNP rs778772732, ClinGen allele CA5923471.

ClinVar aggregate classification (germline): Conflicting classifications of pathogenicity. Review status: criteria provided, conflicting classifications (1 of 4 stars). 5 submissions from 5 submitters: Uncertain significance (4); Likely benign (1). Last evaluated 2026-01-07.

Conditions:
Inborn genetic diseases. Identifiers: MedGen C0950123, MeSH D030342.
Autosomal recessive limb-girdle muscular dystrophy type 2L (LGMDR12). Also called: Limb-girdle muscular dystrophy, type 2L; Limb-Girdle Muscular Dystrophy R12 Anoctamin-5-Related (LGMD-R12); MUSCULAR DYSTROPHY, LIMB-GIRDLE, AUTOSOMAL RECESSIVE 12. Identifiers: Orphanet 206549, MedGen C1969785, MONDO:0012652, OMIM 611307.
Gnathodiaphyseal dysplasia (GDD). Also called: GNATHODIAPHYSEAL SCLEROSIS; OSTEOGENESIS IMPERFECTA WITH UNUSUAL SKELETAL LESIONS. Identifiers: Orphanet 53697, MedGen C1833736, MONDO:0008151, OMIM 166260.

Allele frequency attached by ClinVar (database versions not stated): gnomAD 0.00001; gnomAD exomes 0.00003 and 0.00011; TOPMed 0.00003; ExAC 0.00004.
gnomAD v4.1: 45 of 1,613,930 alleles (0.0028%); highest among the groups gnomAD compares: Admixed American, 0.053%; no homozygotes.

Submissions (5):

Labcorp Genetics (formerly Invitae), Labcorp
Classification: Likely benign for Autosomal recessive limb-girdle muscular dystrophy type 2L; Gnathodiaphyseal dysplasia. Last evaluated: 2026-01-07. Review status: criteria provided, single submitter. Criteria: Invitae Variant Classification Sherloc (09022015). Collection method: clinical testing. Allele origin: germline.

Revvity Omics, Revvity
Classification: Uncertain significance. Last evaluated: 2025-07-01. Review status: criteria provided, single submitter. Criteria: ACMG Guidelines, 2015. Collection method: clinical testing. Allele origin: germline.

Ambry Genetics
Classification: Uncertain significance for Inborn genetic diseases. Last evaluated: 2024-02-06. Review status: criteria provided, single submitter. Criteria: Ambry Variant Classification Scheme 2023. Collection method: clinical testing. Allele origin: germline.

GeneDx
Classification: Uncertain significance. Last evaluated: 2022-02-21. Review status: criteria provided, single submitter. Criteria: GeneDx Variant Classification Process June 2021. Collection method: clinical testing. Allele origin: germline. Affected: yes.
Comment: In silico analysis supports that this missense variant does not alter protein structure/function; Has not been previously published as pathogenic or benign to our knowledge

Eurofins Ntd Llc (ga)
Classification: Uncertain significance. Last evaluated: 2017-06-16. Review status: criteria provided, single submitter. Criteria: EGL Classification Definitions 2015. Collection method: clinical testing. Allele origin: germline. Observed: 2 variant alleles, 2 heterozygotes.